The following is an entry in ClinVar:

ClinVar aggregate classification (germline): Uncertain significance (1 of 4 stars; one submission).

Allele frequency attached by ClinVar (database versions not stated): gnomAD 0.00004.
gnomAD v4.1: 11 of 1,573,944 alleles (0.0007%); highest among the groups gnomAD compares: Admixed American, 0.013%; no homozygotes.

Submission:

Labcorp Genetics (formerly Invitae), Labcorp
Classification: Uncertain significance. Last evaluated: 2023-04-06. Review status: criteria provided, single submitter. Criteria: Invitae Variant Classification Sherloc (09022015). Collection method: clinical testing. Allele origin: germline.
Comment: In summary, the available evidence is currently insufficient to determine the role of this variant in disease. Therefore, it has been classified as a Variant of Uncertain Significance. Experimental studies and prediction algorithms are not available or were not evaluated, and the functional significance of this variant is currently unknown. This sequence change replaces glutamine, which is neutral and polar, with glutamic acid, which is acidic and polar, at codon 2 of the ERCC6L2 protein (p.Gln2Glu). This variant is not present in population databases (gnomAD no frequency). This variant has not been reported in the literature in individuals affected with ERCC6L2-related conditions. ClinVar contains an entry for this variant (Variation ID: 2189355).

NM_020207.7(ERCC6L2):c.-30C>G

Gene: ERCC6L2 (ERCC excision repair 6 like 2; plus strand). Cytogenetic location: 9q22.32.
Variant type: single nucleotide variant.
Coding change: c.-30C>G on transcript NM_020207.7 (MANE Select); 30 bases upstream of the start codon, C replaced by G.
Molecular consequence: 5 prime UTR variant. On other transcripts: non-coding transcript variant (1).
Genome position (GRCh38, 1-based): chr9:95,876,009, C>G. VCF-style: chr9-95876009-C-G. GRCh37 (hg19) VCF-style: chr9-98638291-C-G.
Other names: c.-30C>G (NM_001010895.4, NM_001375291.1, NM_001375292.1 and 2 more transcripts).
Identifiers: ClinVar variation 2189355 (VCV002189355.4), dbSNP rs1041556138, ClinGen allele CA196546275.